The following is an entry in ClinVar:

NM_001289104.2(PRKCSH):c.987GGA[6] (p.Glu333dup)

Gene: PRKCSH (PRKCSH beta subunit of glucosidase II; plus strand). Cytogenetic location: 19p13.2.
Variant type: Microsatellite.
Coding change: c.987GGA[6] on transcript NM_001289104.2 (MANE Select); six copies in a row of the 3-base unit GGA starting at c.987; the reference has five copies in a row; one copy, 3 bases duplicated.
Protein change: p.Glu333dup; duplicates glutamic acid 333.
Molecular consequence: inframe insertion.
Genome position (GRCh38, 1-based): chr19:11,447,588-11,447,590, GGA duplicated; duplicating any 3 consecutive bases within chr19:11,447,574-11,447,590 gives the same sequence; the position shown is the placement nearest the transcript's 3' end. VCF-style (leftmost placement, unchanged base first): chr19-11447573-A-AGAG. GRCh37 (hg19) VCF-style: chr19-11558388-A-AGAG.
Other names: c.987GGA[6], p.Glu333dup (NM_001001329.3, NM_001289102.2, NM_001289103.2 and 3 more transcripts); c.999_1001dupGGA (NM_002743.3).
Identifiers: ClinVar variation 193858 (VCV000193858.14), dbSNP rs763059069, ClinGen allele CA239536.

ClinVar aggregate classification (germline): Conflicting classifications of pathogenicity. Review status: criteria provided, conflicting classifications (1 of 4 stars). 3 submissions from 3 submitters: Uncertain significance (2); Likely benign (1). Last evaluated 2026-08-21.

Conditions:
PRKCSH-related disorder. Also called: PRKCSH-related condition.

Submissions (3):

PreventionGenetics, part of Exact Sciences
Classification: Likely benign for PRKCSH-related condition. Last evaluated: 2026-08-21. Review status: criteria provided, single submitter. Criteria: ACMG Guidelines, 2015. Collection method: clinical testing. Allele origin: germline.
Comment: This variant is classified as likely benign based on ACMG/AMP sequence variant interpretation guidelines (Richards et al. 2015 PMID: 25741868, with internal and published modifications).

Labcorp Genetics (formerly Invitae), Labcorp
Classification: Uncertain significance. Last evaluated: 2026-01-06. Review status: criteria provided, single submitter. Criteria: Invitae Variant Classification Sherloc (09022015). Collection method: clinical testing. Allele origin: germline.
Comment: This variant, c.999_1001dup, results in the insertion of 1 amino acid(s) of the PRKCSH protein (p.Glu333dup), but otherwise preserves the integrity of the reading frame. The frequency data for this variant in the population databases is considered unreliable, as metrics indicate poor data quality at this position in the gnomAD database. This variant has not been reported in the literature in individuals affected with PRKCSH-related conditions. Experimental studies and prediction algorithms are not available or were not evaluated, and the functional significance of this variant is currently unknown. In summary, the available evidence is currently insufficient to determine the role of this variant in disease. Therefore, it has been classified as a Variant of Uncertain Significance.

Eurofins Ntd Llc (ga)
Classification: Uncertain significance. Last evaluated: 2014-11-05. Review status: criteria provided, single submitter. Criteria: EGL Classification Definitions. Collection method: clinical testing. Allele origin: germline. Observed: 1 variant allele, 1 heterozygote.